The following is an entry in ClinVar:

ClinVar aggregate classification (germline): Uncertain significance (1 of 4 stars; one submission).

Conditions:
Hereditary cancer-predisposing syndrome. Also called: Hereditary Cancer Syndrome; Hereditary neoplastic syndrome; Neoplastic Syndromes, Hereditary; Tumor predisposition. Identifiers: Orphanet 140162, MedGen C0027672, MeSH D009386, MONDO:0015356.

Submission:

Ambry Genetics
Classification: Uncertain significance for Hereditary cancer-predisposing syndrome. Last evaluated: 2020-01-08. Review status: criteria provided, single submitter. Criteria: Ambry Variant Classification Scheme 2023. Collection method: clinical testing. Allele origin: germline.
Comment: The p.D453G variant (also known as c.1358A>G), located in coding exon 5 of the BARD1 gene, results from an A to G substitution at nucleotide position 1358. The aspartic acid at codon 453 is replaced by glycine, an amino acid with similar properties. This amino acid position is highly conserved in available vertebrate species. In addition, this alteration is predicted to be deleterious by in silico analysis. Since supporting evidence is limited at this time, the clinical significance of this alteration remains unclear.

NM_000465.4(BARD1):c.1358A>G (p.Asp453Gly)

Gene: BARD1 (BRCA1 associated RING domain 1; minus strand). Cytogenetic location: 2q35.
Variant type: single nucleotide variant.
Coding change: c.1358A>G on transcript NM_000465.4 (MANE Select); coding-DNA position 1358, A replaced by G.
Protein change: p.Asp453Gly; replaces aspartic acid 453 with glycine.
Molecular consequence: missense variant. On other transcripts: non-coding transcript variant (3), intron variant (3).
Genome position (GRCh38, 1-based): chr2:214,769,269, T>C on the plus strand (A>G on the coding strand, the complement: BARD1 is on the minus strand). VCF-style: chr2-214769269-T-C. GRCh37 (hg19) VCF-style: chr2-215633993-T-C.
Other names: c.1301A>G, p.Asp434Gly (NM_001282543.2); c.159-16714A>G (NM_001282548.2); c.216-16714A>G (NM_001282545.2); c.364+23028A>G (NM_001282549.2); short protein forms D453G, D434G.
Identifiers: ClinVar variation 1770734 (VCV001770734.2), dbSNP rs1694361138, ClinGen allele CA350450317.
Genomic context (GRCh38, chr2:214,769,269, plus strand): 5'-GAGAATAAAAACCAGACAACTACCAATGGTGTCCATCCAGCATGGTCTTTAACATTTGGA[T>C]CACTTCCATTTTGTAAAAGGTATTCAACAGAAGGTATGTCGCCCTAGAAAAATGAACAAA-3'
Protein context (NP_000456.2, residues 443-463): SVEYLLQNGS[Asp453Gly]PNVKDHAGWT